The following is an entry in ClinVar:

ClinVar aggregate classification (germline): Uncertain significance (1 of 4 stars; one submission).

Conditions:
Ullrich congenital muscular dystrophy 2 (UCMD2). Identifiers: Orphanet 75840, MedGen C4225314, MONDO:0014654, OMIM 616470.
Bethlem myopathy 2 (BTHLM2). Identifiers: Orphanet 536516, Orphanet 610, MedGen C4225313, MONDO:0034022, OMIM 616471.

gnomAD v4.1: 1 of 1,609,994 alleles (0.000062%); highest among the groups gnomAD compares: Admixed American, 0.0017%; no homozygotes.

Submission:

Labcorp Genetics (formerly Invitae), Labcorp
Classification: Uncertain significance for Bethlem myopathy 2; Ullrich congenital muscular dystrophy 2. Last evaluated: 2024-08-15. Review status: criteria provided, single submitter. Criteria: Invitae Variant Classification Sherloc (09022015). Collection method: clinical testing. Allele origin: germline.
Comment: This sequence change replaces threonine, which is neutral and polar, with alanine, which is neutral and non-polar, at codon 1152 of the COL12A1 protein (p.Thr1152Ala). This variant is present in population databases (no rsID available, gnomAD 0.003%). This variant has not been reported in the literature in individuals affected with COL12A1-related conditions. Invitae Evidence Modeling of protein sequence and biophysical properties (such as structural, functional, and spatial information, amino acid conservation, physicochemical variation, residue mobility, and thermodynamic stability) indicates that this missense variant is not expected to disrupt COL12A1 protein function with a negative predictive value of 80%. In summary, the available evidence is currently insufficient to determine the role of this variant in disease. Therefore, it has been classified as a Variant of Uncertain Significance.

NM_004370.6(COL12A1):c.3454A>G (p.Thr1152Ala)

Gene: COL12A1 (collagen type XII alpha 1 chain; minus strand). Cytogenetic location: 6q13.
Variant type: single nucleotide variant.
Coding change: c.3454A>G on transcript NM_004370.6 (MANE Select); coding-DNA position 3454, A replaced by G.
Protein change: p.Thr1152Ala; replaces threonine 1152 with alanine.
Molecular consequence: missense variant. On other transcripts: intron variant (2).
Genome position (GRCh38, 1-based): chr6:75,154,527, T>C on the plus strand (A>G on the coding strand, the complement: COL12A1 is on the minus strand). VCF-style: chr6-75154527-T-C. GRCh37 (hg19) VCF-style: chr6-75864243-T-C.
Other names: c.3454A>G, p.Thr1152Ala (NM_001424113.1, NM_001424114.1); c.3181A>G, p.Thr1061Ala (NM_001424115.1); c.74-2045A>G (NM_001424116.1, NM_080645.3); short protein forms T1061A, T1152A.
Identifiers: ClinVar variation 3757690 (VCV003757690.2).
Genomic context (GRCh38, chr6:75,154,527, plus strand): 5'-GTCCAACAAGTGGTGAGCTTTCTCCTCCATCAAACATTCCAAAAACATTTACTTTATAGG[T>C]GGTACCAGCCCTAAAATGTTAAAGTATATATATAGCCTGTGAGAACCATAGGCTCAAGTG-3'
Protein context (NP_004361.3, residues 1142-1162): VVLEELRAGT[Thr1152Ala]YKVNVFGMFD